The following is an entry in ClinVar:

NM_001366230.1(ARHGAP28):c.2030+1907C>T

Gene: ARHGAP28 (Rho GTPase activating protein 28; plus strand). Cytogenetic location: 18p11.31.
Variant type: single nucleotide variant.
Coding change: c.2030+1907C>T on transcript NM_001366230.1 (MANE Select); 1907 bases into the intron after coding-DNA position 2030, C replaced by T.
Molecular consequence: intron variant. On other transcripts: missense variant (2).
Genome position (GRCh38, 1-based): chr18:6,898,533, C>T. VCF-style: chr18-6898533-C-T. GRCh37 (hg19) VCF-style: chr18-6898532-C-T.
Other names: c.2128C>T, p.His710Tyr (NM_001366231.1); c.1972C>T, p.His658Tyr (NM_001410873.1); c.1553+1907C>T (NM_001010000.3); short protein forms H658Y, H710Y.
Identifiers: ClinVar variation 4083863 (VCV004083863.8).

ClinVar aggregate classification (germline): Likely benign (1 of 4 stars; one submission).

gnomAD v4.1: 982 of 1,614,058 alleles (0.061%); highest among the groups gnomAD compares: African/African-American, 0.87%; 9 homozygotes.

Submission:

CeGaT Center for Human Genetics Tuebingen
Classification: Likely benign. Last evaluated: 2025-07-01. Review status: criteria provided, single submitter. Criteria: CeGaT Center For Human Genetics Tuebingen Variant Classification Criteria Version 2. Collection method: clinical testing. Allele origin: germline. Affected: yes. Observed: 1 variant allele.
Comment: ARHGAP28: BP4, BS2